The following is an entry in ClinVar:

ClinVar aggregate classification (germline): Uncertain significance (1 of 4 stars; one submission).

Submission:

Labcorp Genetics (formerly Invitae), Labcorp
Classification: Uncertain significance. Last evaluated: 2022-01-27. Review status: criteria provided, single submitter. Criteria: Invitae Variant Classification Sherloc (09022015). Collection method: clinical testing. Allele origin: germline.
Comment: In summary, the available evidence is currently insufficient to determine the role of this variant in disease. Therefore, it has been classified as a Variant of Uncertain Significance. Algorithms developed to predict the effect of missense changes on protein structure and function (SIFT, PolyPhen-2, Align-GVGD) all suggest that this variant is likely to be disruptive. This variant has not been reported in the literature in individuals affected with SETBP1-related conditions. This variant is not present in population databases (gnomAD no frequency). This sequence change replaces arginine, which is basic and polar, with glycine, which is neutral and non-polar, at codon 890 of the SETBP1 protein (p.Arg890Gly).

NM_015559.3(SETBP1):c.2668A>G (p.Arg890Gly)

Gene: SETBP1 (SET binding protein 1; plus strand). Cytogenetic location: 18q12.3.
Variant type: single nucleotide variant.
Coding change: c.2668A>G on transcript NM_015559.3 (MANE Select); coding-DNA position 2668, A replaced by G.
Protein change: p.Arg890Gly; replaces arginine 890 with glycine.
Molecular consequence: missense variant.
Genome position (GRCh38, 1-based): chr18:44,952,008, A>G. VCF-style: chr18-44952008-A-G. GRCh37 (hg19) VCF-style: chr18-42531973-A-G.
Other names: c.2668A>G, p.Arg890Gly (NM_001379141.1, NM_001379142.1, NM_001410862.1); short protein forms R890G.
Identifiers: ClinVar variation 2090537 (VCV002090537.4), dbSNP rs2511472673, ClinGen allele CA402321949.